The following is an entry in ClinVar:

ClinVar aggregate classification (germline): Uncertain significance (1 of 4 stars; one submission).

Allele frequency attached by ClinVar (database versions not stated): TOPMed 0.00001; ExAC 0.00004; gnomAD 0.00001.
gnomAD v4.1: 12 of 1,563,634 alleles (0.00077%); highest among the groups gnomAD compares: South Asian, 0.0022%; no homozygotes.

Submission:

Labcorp Genetics (formerly Invitae), Labcorp
Classification: Uncertain significance. Last evaluated: 2025-11-13. Review status: criteria provided, single submitter. Criteria: Invitae Variant Classification Sherloc (09022015). Collection method: clinical testing. Allele origin: germline.
Comment: This sequence change falls in intron 7 of the MBD4 gene. It does not directly change the encoded amino acid sequence of the MBD4 protein. This variant is present in population databases (rs781346153, gnomAD 0.008%). This variant has not been reported in the literature in individuals affected with MBD4-related conditions. ClinVar contains an entry for this variant (Variation ID: 2872041). Algorithms developed to predict the effect of sequence changes on RNA splicing suggest that this variant may disrupt the consensus splice site. In summary, the available evidence is currently insufficient to determine the role of this variant in disease. Therefore, it has been classified as a Variant of Uncertain Significance.

NM_001276270.2(MBD4):c.1648-17T>G

Gene: MBD4 (methyl-CpG binding domain 4, DNA glycosylase; minus strand). Cytogenetic location: 3q21.3.
Variant type: single nucleotide variant.
Coding change: c.1648-17T>G on transcript NM_001276270.2 (MANE Select); 17 bases into the intron before coding-DNA position 1648, T replaced by G.
Molecular consequence: intron variant.
Genome position (GRCh38, 1-based): chr3:129,431,595, A>C on the plus strand (T>G on the coding strand, the complement: MBD4 is on the minus strand). VCF-style: chr3-129431595-A-C. GRCh37 (hg19) VCF-style: chr3-129150438-A-C.
Other names: c.712-17T>G (NM_001276273.2); c.1613-17T>G (NM_001276272.2); c.1666-17T>G (NM_003925.3).
Identifiers: ClinVar variation 2872041 (VCV002872041.3), dbSNP rs781346153, ClinGen allele CA2605219.